The following is an entry in ClinVar:

ClinVar aggregate classification (germline): Conflicting classifications of pathogenicity. Review status: criteria provided, conflicting classifications (1 of 4 stars). 2 submissions from 2 submitters: Uncertain significance (1); Likely benign (1). Last evaluated 2025-09-14.

Conditions:
Developmental and epileptic encephalopathy, 8 (DEE8). Also called: HYPEREKPLEXIA AND EPILEPSY. Identifiers: Orphanet 163985, Orphanet 2076, MedGen C1845102, MONDO:0010375, OMIM 300607.

Submissions (2):

Labcorp Genetics (formerly Invitae), Labcorp
Classification: Uncertain significance for Developmental and epileptic encephalopathy, 8. Last evaluated: 2025-09-14. Review status: criteria provided, single submitter. Criteria: Invitae Variant Classification Sherloc (09022015). Collection method: clinical testing. Allele origin: germline.
Comment: This sequence change replaces serine, which is neutral and polar, with glycine, which is neutral and non-polar, at codon 509 of the ARHGEF9 protein (p.Ser509Gly). This variant is not present in population databases (gnomAD no frequency). This variant has not been reported in the literature in individuals affected with ARHGEF9-related conditions. ClinVar contains an entry for this variant (Variation ID: 1191697). Invitae Evidence Modeling of protein sequence and biophysical properties (such as structural, functional, and spatial information, amino acid conservation, physicochemical variation, residue mobility, and thermodynamic stability) indicates that this missense variant is not expected to disrupt ARHGEF9 protein function with a negative predictive value of 95%. In summary, the available evidence is currently insufficient to determine the role of this variant in disease. Therefore, it has been classified as a Variant of Uncertain Significance.

GeneDx
Classification: Likely benign. Last evaluated: 2019-02-27. Review status: criteria provided, single submitter. Criteria: GeneDx Variant Classification Process June 2021. Collection method: clinical testing. Allele origin: germline. Affected: yes.

NM_001353921.2(ARHGEF9):c.1546A>G (p.Ser516Gly)

Gene: ARHGEF9 (Cdc42 guanine nucleotide exchange factor 9; minus strand). Cytogenetic location: Xq11.1.
Variant type: single nucleotide variant.
Coding change: c.1546A>G on transcript NM_001353921.2 (MANE Select); coding-DNA position 1546, A replaced by G.
Protein change: p.Ser516Gly; replaces serine 516 with glycine.
Molecular consequence: missense variant. On other transcripts: 3 prime UTR variant (2).
Genome position (GRCh38, 1-based): chrX:63,638,054, T>C on the plus strand (A>G on the coding strand, the complement: ARHGEF9 is on the minus strand). VCF-style: chrX-63638054-T-C. GRCh37 (hg19) VCF-style: chrX-62857934-T-C.
Other names: c.1366A>G, p.Ser456Gly (NM_001173479.2); c.1219A>G, p.Ser407Gly (NM_001173480.2, NM_001369042.1); c.1462A>G, p.Ser488Gly (NM_001330495.2, NM_001369033.1, NM_001369034.1 and 4 more transcripts); c.1414A>G, p.Ser472Gly (NM_001353922.2); c.1564A>G, p.Ser522Gly (NM_001353923.1); c.1345A>G, p.Ser449Gly (NM_001353924.2, NM_001353926.2, NM_001369039.1 and 1 more transcripts); c.1330A>G, p.Ser444Gly (NM_001353927.2, NM_001369041.1); c.1393A>G, p.Ser465Gly (NM_001353928.2); and 3 more; short protein forms S327G, S407G, S444G, S449G, S456G, S465G, S472G, S488G.
Identifiers: ClinVar variation 1191697 (VCV001191697.3), dbSNP rs2047402332, ClinGen allele CA413400987.